The following is an entry in ClinVar:

NM_001034850.3(RETREG1):c.1404T>C (p.Ser468=)

Gene: RETREG1 (reticulophagy regulator 1; minus strand). Cytogenetic location: 5p15.1.
Variant type: single nucleotide variant.
Coding change: c.1404T>C on transcript NM_001034850.3 (MANE Select); coding-DNA position 1404, T replaced by C.
Protein change: p.Ser468=; no amino-acid change (serine 468 retained).
Molecular consequence: synonymous variant.
Genome position (GRCh38, 1-based): chr5:16,474,831, A>G on the plus strand (T>C on the coding strand, the complement: RETREG1 is on the minus strand). VCF-style: chr5-16474831-A-G. GRCh37 (hg19) VCF-style: chr5-16474940-A-G.
Other names: c.981T>C, p.Ser327= (NM_019000.5).
Identifiers: ClinVar variation 1560295 (VCV001560295.22), dbSNP rs1188421518, ClinGen allele CA443538734.
Genomic context (GRCh38, chr5:16,474,831, plus strand): 5'-ACCTGAAGACTTCTTATTTTGCTGTGCTTCTGCTTCCTGGTCTTGTGTAAGTCCCAATTC[A>G]CTCTCAATTTGATCCAGCTCTGACTGGTCAAGTAGTTCAAAGTCATCACCTTCTTCAGTG-3'
Protein context (NP_001030022.1, residues 458-478): LDQSELDQIE[Ser468=]ELGLTQDQEA

ClinVar aggregate classification (germline): Likely benign. Review status: criteria provided, multiple submitters, no conflicts (2 of 4 stars). 2 submissions from 2 submitters: Likely benign (2). Last evaluated 2024-11-01.

Allele frequency attached by ClinVar (database versions not stated): gnomAD exomes below 0.00001.
gnomAD v4.1: 6 of 1,613,482 alleles (0.00037%); highest among the groups gnomAD compares: South Asian, 0.0055%; no homozygotes.

Submissions (2):

CeGaT Center for Human Genetics Tuebingen
Classification: Likely benign. Last evaluated: 2024-11-01. Review status: criteria provided, single submitter. Criteria: CeGaT Center For Human Genetics Tuebingen Variant Classification Criteria Version 2. Collection method: clinical testing. Allele origin: germline. Affected: yes. Observed: 1 variant allele.
Comment: RETREG1: BP4, BP7

Labcorp Genetics (formerly Invitae), Labcorp
Classification: Likely benign. Last evaluated: 2022-07-19. Review status: criteria provided, single submitter. Criteria: Invitae Variant Classification Sherloc (09022015). Collection method: clinical testing. Allele origin: germline.